The following is an entry in ClinVar:

NM_000540.3(RYR1):c.8085G>A (p.Leu2695=)

Gene: RYR1 (ryanodine receptor 1; plus strand). Cytogenetic location: 19q13.2.
Variant type: single nucleotide variant.
Coding change: c.8085G>A on transcript NM_000540.3 (MANE Select); coding-DNA position 8085, G replaced by A.
Protein change: p.Leu2695=; no amino-acid change (leucine 2695 retained).
Molecular consequence: synonymous variant.
Genome position (GRCh38, 1-based): chr19:38,504,765, G>A. VCF-style: chr19-38504765-G-A. GRCh37 (hg19) VCF-style: chr19-38995405-G-A.
Other names: c.8085G>A, p.Leu2695= (NM_001042723.2).
Identifiers: ClinVar variation 3069846 (VCV003069846.1), dbSNP rs139673296, ClinGen allele CA083094.

ClinVar aggregate classification (germline): Uncertain significance (1 of 4 stars; one submission).

Conditions:
Malignant hyperthermia, susceptibility to, 1 (MHS1). Also called: RYR1-Related Malignant Hyperthermia Susceptibility; Anesthesia related hyperthermia; Malignant hyperpyrexia; Fulminating hyperpyrexia; Pharmacogenic myopathy; Malignant hyperthermia suceptibility 1. Identifiers: Orphanet 423, MedGen C2930980, MONDO:0007783, OMIM 145600.

Submission:

All of Us Research Program, National Institutes of Health
Classification: Uncertain significance for Malignant hyperthermia, susceptibility to, 1. Last evaluated: 2023-03-09. Review status: criteria provided, single submitter. Criteria: ACMG Guidelines, 2015. Collection method: clinical testing. Allele origin: germline. Inheritance: Autosomal dominant inheritance. Observed: 1 variant allele, 1 heterozygote.
Comment: This variant is located in the RYR1 protein. To our knowledge, functional studies have not been reported for this variant. This variant has not been reported in individuals affected with RYR1-related disorders in the literature. This variant has not been identified in the general population by the Genome Aggregation Database (gnomAD). The available evidence is insufficient to determine the role of this variant in disease conclusively. Therefore, this variant is classified as a Variant of Uncertain Significance.

This study involves interpretation of variants in research participants for the purpose of population health screening. Participant phenotype was not available at the time of variant classification. Additional details can be found in publication PMID: 35346344, PMCID: PMC8962531